The following is an entry in ClinVar:

NC_000004.11:g.(?_52899577)_(52899826_?)dup

Gene: SGCB (sarcoglycan beta; minus strand). Cytogenetic location: 4q12.
Variant type: Duplication.
Identifiers: ClinVar variation 534951 (VCV000534951.1).

ClinVar aggregate classification (germline): Uncertain significance (1 of 4 stars; one submission).

Conditions:
Autosomal recessive limb-girdle muscular dystrophy type 2E (LGMDR4). Also called: MUSCULAR DYSTROPHY, LIMB-GIRDLE, AUTOSOMAL RECESSIVE 4. Identifiers: Orphanet 119, MedGen C1858593, MONDO:0011423, OMIM 604286. Disease mechanism: Affects gamma-sarcoglycan and also disrupts the integrity of the entire sarcoglycan complex..

Submission:

Labcorp Genetics (formerly Invitae), Labcorp
Classification: Uncertain significance for Autosomal recessive limb-girdle muscular dystrophy type 2E. Last evaluated: 2017-11-28. Review status: criteria provided, single submitter. Criteria: Invitae Variant Classification Sherloc (09022015). Collection method: clinical testing. Allele origin: germline.
Comment: This variant is a gross duplication of the genomic region encompassing exon 2 of the SGCB gene. While the exact position of the duplicated exon cannot be determined from this data, sub-genic duplications are generally in tandem (PMID: 25640679). This duplication would be expected to be in-frame, preserving the integrity of the reading frame. This variant has not been reported in the literature in individuals with SGCB-related disease. In summary, the available evidence is currently insufficient to determine the role of this variant in disease. Therefore, it has been classified as a Variant of Uncertain Significance.